The following is an entry in ClinVar:

ClinVar aggregate classification (germline): Pathogenic (1 of 4 stars; one submission).

Conditions:
Mitochondrial DNA depletion syndrome 9 (MTDPS9). Also called: SUCLG1-Related Mitochondrial DNA Depletion Syndrome, Encephalomyopathic Form with Methylmalonic Aciduria. Identifiers: Orphanet 17, MedGen C3151476, MONDO:0009504, OMIM 245400.

gnomAD v4.1: 24 of 1,614,218 alleles (0.0015%); highest among the groups gnomAD compares: Non-Finnish European, 0.0019%; no homozygotes.

Submission:

Women's Health and Genetics/Laboratory Corporation of America, LabCorp
Classification: Pathogenic for Mitochondrial DNA depletion syndrome 9. Last evaluated: 2025-12-09. Review status: criteria provided, single submitter. Criteria: LabCorp Variant Classification Summary - May 2015. Collection method: clinical testing. Allele origin: germline.
Comment: Variant summary: SUCLG1 c.937G>T (p.Glu313X) results in a premature termination codon, predicted to cause a truncation of the encoded protein or absence of the protein due to nonsense mediated decay, which are commonly known mechanisms for disease. The variant was absent in 251310 control chromosomes. To our knowledge, no occurrence of c.937G>T in individuals affected with SUCLG1-related conditions and no experimental evidence demonstrating its impact on protein function have been reported. No submitters have cited clinical-significance assessments for this variant to ClinVar. Based on the evidence outlined above, the variant was classified as pathogenic.

NM_003849.4(SUCLG1):c.937G>T (p.Glu313Ter)

Gene: SUCLG1 (succinate-CoA ligase GDP/ADP-forming subunit alpha; minus strand). Cytogenetic location: 2p11.2.
Variant type: single nucleotide variant.
Coding change: c.937G>T on transcript NM_003849.4 (MANE Select); coding-DNA position 937, G replaced by T.
Protein change: p.Glu313Ter; replaces glutamic acid 313 with a stop codon.
Molecular consequence: nonsense.
Genome position (GRCh38, 1-based): chr2:84,425,492, C>A on the plus strand (G>T on the coding strand, the complement: SUCLG1 is on the minus strand). VCF-style: chr2-84425492-C-A. GRCh37 (hg19) VCF-style: chr2-84652616-C-A.
Other names: short protein forms E313*.
Identifiers: ClinVar variation 4688454 (VCV004688454.1).